The following is an entry in ClinVar:

NM_020461.4(TUBGCP6):c.1070T>C (p.Leu357Pro)

Gene: TUBGCP6 (tubulin gamma complex component 6; minus strand). Cytogenetic location: 22q13.33.
Variant type: single nucleotide variant.
Coding change: c.1070T>C on transcript NM_020461.4 (MANE Select); coding-DNA position 1070, T replaced by C.
Protein change: p.Leu357Pro; replaces leucine 357 with proline.
Molecular consequence: missense variant.
Genome position (GRCh38, 1-based): chr22:50,233,362, A>G on the plus strand (T>C on the coding strand, the complement: TUBGCP6 is on the minus strand). VCF-style: chr22-50233362-A-G. GRCh37 (hg19) VCF-style: chr22-50671791-A-G.
Other names: short protein forms L357P.
Identifiers: ClinVar variation 2120736 (VCV002120736.4), dbSNP rs2519177492, ClinGen allele CA412109803.

ClinVar aggregate classification (germline): Uncertain significance (1 of 4 stars; one submission).

Submission:

Labcorp Genetics (formerly Invitae), Labcorp
Classification: Uncertain significance. Last evaluated: 2025-02-10. Review status: criteria provided, single submitter. Criteria: Invitae Variant Classification Sherloc (09022015). Collection method: clinical testing. Allele origin: germline.
Comment: This sequence change replaces leucine, which is neutral and non-polar, with proline, which is neutral and non-polar, at codon 357 of the TUBGCP6 protein (p.Leu357Pro). This variant is not present in population databases (gnomAD no frequency). This variant has not been reported in the literature in individuals affected with TUBGCP6-related conditions. ClinVar contains an entry for this variant (Variation ID: 2120736). An algorithm developed to predict the effect of missense changes on protein structure and function (PolyPhen-2) suggests that this variant is likely to be disruptive. In summary, the available evidence is currently insufficient to determine the role of this variant in disease. Therefore, it has been classified as a Variant of Uncertain Significance.